The following is an entry in ClinVar:

ClinVar aggregate classification (germline): Likely benign (1 of 4 stars; one submission).

Submission:

CeGaT Center for Human Genetics Tuebingen
Classification: Likely benign. Last evaluated: 2024-02-01. Review status: criteria provided, single submitter. Criteria: CeGaT Center For Human Genetics Tuebingen Variant Classification Criteria Version 2. Collection method: clinical testing. Allele origin: germline. Affected: yes. Observed: 1 variant allele.
Comment: POU3F3: BP4, BP7

NM_006236.3(POU3F3):c.519A>C (p.Gly173=)

Gene: POU3F3 (POU class 3 homeobox 3; plus strand). Cytogenetic location: 2q12.1.
Variant type: single nucleotide variant.
Coding change: c.519A>C on transcript NM_006236.3 (MANE Select); coding-DNA position 519, A replaced by C.
Protein change: p.Gly173=; no amino-acid change (glycine 173 retained).
Molecular consequence: synonymous variant.
Genome position (GRCh38, 1-based): chr2:104,856,029, A>C. VCF-style: chr2-104856029-A-C. GRCh37 (hg19) VCF-style: chr2-105472487-A-C.
Identifiers: ClinVar variation 3026346 (VCV003026346.22), dbSNP rs1573320238, ClinGen allele CA428207344.